The following is an entry in ClinVar:

NM_000038.6(APC):c.-18-3696C>T

Gene: APC (APC regulator of WNT signaling pathway; plus strand). Cytogenetic location: 5q22.2.
Variant type: single nucleotide variant.
Coding change: c.-18-3696C>T on transcript NM_000038.6 (MANE Select); 3696 bases into the intron before 18 bases upstream of the start codon, C replaced by T.
Molecular consequence: intron variant.
Genome position (GRCh38, 1-based): chr5:112,751,177, C>T. VCF-style: chr5-112751177-C-T. GRCh37 (hg19) VCF-style: chr5-112086874-C-T.
Other names: c.-18-3696C>T (NM_001354895.2, NM_001127510.3, NM_001354896.2 and 2 more transcripts); c.166-15149C>T (NM_001354897.2, NM_001354902.2, NM_001127511.3); c.60+12717C>T (NM_001354898.2, NM_001354904.2); c.-1053-3696C>T (NM_001354906.2); c.-43+13252C>T (NM_001354900.2, NM_001354901.2, NM_001354905.2).
Identifiers: ClinVar variation 82800 (VCV000082800.2), dbSNP rs11950612, ClinGen allele CA006074.
Genomic context (GRCh38, chr5:112,751,177, plus strand): 5'-GACTTACAGAAGAGTTGGAAAAATAGTACAGAGAGTTTCTATATACCTTTTACAGATTCC[C>T]CAGATGATTAACATCTTATATATCTGTACTACAATTATCAAAACAAAAAAACTAATCTAT-3'

ClinVar aggregate classification (germline): other (0 of 4 stars; one submission).

Conditions:
Familial colorectal cancer. Identifiers: MedGen CN280943, MONDO:0023113. Disease mechanism: loss of function.

Allele frequency attached by ClinVar (database versions not stated): gnomAD 0.09668 and 0.09912; TOPMed 0.10850; 1000 Genomes Project 30x 0.13679; 1000 Genomes Project 0.13718.
gnomAD v4.1: 14,594 of 151,828 alleles (9.6%); highest among the groups gnomAD compares: African/African-American, 26%; 1,539 homozygotes.

Submission:

Systems Biology Platform Zhejiang California International NanoSystems Institute
Classification: other for Familial colorectal cancer. Review status: no assertion criteria provided. Collection method: not provided. Allele origin: unknown.
ClinVar note: Converted during submission from cancer to other.